The following is an entry in ClinVar:

ClinVar aggregate classification (germline): Likely benign (0 of 4 stars; one submission).

Conditions:
EBF3-related disorder. Identifiers: MedGen CN239924.

Submission:

PreventionGenetics, part of Exact Sciences
Classification: Likely benign for EBF3-related condition. Last evaluated: 2019-07-31. Review status: no assertion criteria provided. Collection method: clinical testing. Allele origin: germline.
Comment: This variant is classified as likely benign based on ACMG/AMP sequence variant interpretation guidelines (Richards et al. 2015 PMID: 25741868, with internal and published modifications).

NM_001375380.1(EBF3):c.789G>A (p.Pro263=)

Genes: EBF3 (EBF transcription factor 3; minus strand), EBF3-AS1 (EBF3 antisense RNA 1; plus strand). Cytogenetic location: 10q26.3.
Variant type: single nucleotide variant.
Coding change: c.789G>A on transcript NM_001375380.1 (MANE Select); coding-DNA position 789, G replaced by A.
Protein change: p.Pro263=; no amino-acid change (proline 263 retained).
Molecular consequence: synonymous variant.
Genome position (GRCh38, 1-based): chr10:129,867,905, C>T on the plus strand (G>A on the coding strand, the complement: EBF3 is on the minus strand). VCF-style: chr10-129867905-C-T. GRCh37 (hg19) VCF-style: chr10-131666169-C-T.
Other names: c.762G>A, p.Pro254= (NM_001005463.3, NM_001375390.1, NM_001375392.1); c.789G>A, p.Pro263= (NM_001375379.1, NM_001375389.1, NM_001375391.1).
Identifiers: ClinVar variation 3350743 (VCV003350743.1).